The following is an entry in ClinVar:

NM_022367.4(SEMA4A):c.2257AAC[1] (p.Asn754del)

Gene: SEMA4A (semaphorin 4A; plus strand). Cytogenetic location: 1q22.
Variant type: Microsatellite.
Coding change: c.2257AAC[1] on transcript NM_022367.4 (MANE Select); one copy of the 3-base unit AAC starting at c.2257; the reference has two copies in a row; one copy, 3 bases deleted.
Protein change: p.Asn754del; deletes asparagine 754.
Molecular consequence: inframe deletion.
Genome position (GRCh38, 1-based): chr1:156,176,971-156,176,973, AAC deleted; deleting any 3 consecutive bases within chr1:156,176,966-156,176,973 gives the same sequence; the position shown is the placement nearest the transcript's 3' end. VCF-style (leftmost placement, unchanged base first): chr1-156176965-GACA-G. GRCh37 (hg19) VCF-style: chr1-156146756-GACA-G.
Other names: c.2257AAC[1], p.Asn754del (NM_001193300.2, NM_001193301.2, NM_001370567.1); c.1861AAC[1], p.Asn622del (NM_001193302.2); c.1960AAC[1], p.Asn655del (NM_001370568.1); c.1750AAC[1], p.Asn585del (NM_001370569.1, NM_001370571.1); short protein forms N655del, N754del, N585del, N622del.
Identifiers: ClinVar variation 967634 (VCV000967634.11), dbSNP rs748114567, ClinGen allele CA1155563.

ClinVar aggregate classification (germline): Uncertain significance. Review status: criteria provided, multiple submitters, no conflicts (2 of 4 stars). 2 submissions from 2 submitters: Uncertain significance (2). Last evaluated 2025-01-27.

Submissions (2):

Labcorp Genetics (formerly Invitae), Labcorp
Classification: Uncertain significance. Last evaluated: 2025-01-27. Review status: criteria provided, single submitter. Criteria: Invitae Variant Classification Sherloc (09022015). Collection method: clinical testing. Allele origin: germline.
Comment: This variant, c.2260_2262del, results in the deletion of 1 amino acid(s) of the SEMA4A protein (p.Asn754del), but otherwise preserves the integrity of the reading frame. This variant is present in population databases (rs748114567, gnomAD 0.006%). This variant has not been reported in the literature in individuals affected with SEMA4A-related conditions. ClinVar contains an entry for this variant (Variation ID: 967634). Experimental studies and prediction algorithms are not available or were not evaluated, and the functional significance of this variant is currently unknown. In summary, the available evidence is currently insufficient to determine the role of this variant in disease. Therefore, it has been classified as a Variant of Uncertain Significance.

Blueprint Genetics
Classification: Uncertain significance. Last evaluated: 2024-08-12. Review status: criteria provided, single submitter. Criteria: ACMG Guidelines, 2015. Collection method: clinical testing. Allele origin: germline.